The following is an entry in ClinVar:

NM_024753.5(TTC21B):c.2993G>T (p.Arg998Ile)

Gene: TTC21B (tetratricopeptide repeat domain 21B; minus strand). Cytogenetic location: 2q24.3.
Variant type: single nucleotide variant.
Coding change: c.2993G>T on transcript NM_024753.5 (MANE Select); coding-DNA position 2993, G replaced by T.
Protein change: p.Arg998Ile; replaces arginine 998 with isoleucine.
Molecular consequence: missense variant.
Genome position (GRCh38, 1-based): chr2:165,890,946, C>A on the plus strand (G>T on the coding strand, the complement: TTC21B is on the minus strand). VCF-style: chr2-165890946-C-A. GRCh37 (hg19) VCF-style: chr2-166747456-C-A.
Other names: short protein forms R998I.
Identifiers: ClinVar variation 1520481 (VCV001520481.8), dbSNP rs189561071, ClinGen allele CA59774244.
Genomic context (GRCh38, chr2:165,890,946, plus strand): 5'-CTGGAGTTACGTTTCTCAGCCATTGAGAAAAATCTTGGGACATCCTCGAGTTTTCCACAT[C>A]TTCTTAGGAGATCAATCAAACGAGATAATGTCATATAATTATCTAGAAACAAATAATACT-3'
Protein context (NP_079029.3, residues 988-1008): TLSRLIDLLR[Arg998Ile]CGKLEDVPRF

ClinVar aggregate classification (germline): Uncertain significance (1 of 4 stars; one submission).

Conditions:
Nephronophthisis. Also called: Juvenile Nephronophthisis. Identifiers: Orphanet 655, MedGen C0687120, MONDO:0019005, HP:0000090.
Jeune thoracic dystrophy. Also called: Jeune syndrome; Infantile thoracic dystrophy; Thoracic pelvic phalangeal dystrophy; Jeune's syndrome; Chondroectodermal dysplasia-like syndrome; Short-rib thoracic dysplasia. Identifiers: Orphanet 474, MedGen C0265275, MONDO:0018770.

Allele frequency attached by ClinVar (database versions not stated): gnomAD exomes below 0.00001; gnomAD 0.00001; 1000 Genomes Project 30x 0.00016; 1000 Genomes Project 0.00020.

Submission:

Labcorp Genetics (formerly Invitae), Labcorp
Classification: Uncertain significance for Jeune thoracic dystrophy; Nephronophthisis. Last evaluated: 2021-07-04. Review status: criteria provided, single submitter. Criteria: Invitae Variant Classification Sherloc (09022015). Collection method: clinical testing. Allele origin: germline.
Comment: This sequence change replaces arginine with isoleucine at codon 998 of the TTC21B protein (p.Arg998Ile). The arginine residue is highly conserved and there is a moderate physicochemical difference between arginine and isoleucine. This variant is not present in population databases (ExAC no frequency). This variant has not been reported in the literature in individuals with TTC21B-related conditions. Algorithms developed to predict the effect of missense changes on protein structure and function are either unavailable or do not agree on the potential impact of this missense change (SIFT: "Deleterious"; PolyPhen-2: "Probably Damaging"; Align-GVGD: "Class C0"). In summary, the available evidence is currently insufficient to determine the role of this variant in disease. Therefore, it has been classified as a Variant of Uncertain Significance.